The following is an entry in ClinVar:

NM_001283009.2(RTEL1):c.53A>G (p.Tyr18Cys)

Genes: RTEL1 (regulator of telomere elongation helicase 1; plus strand), RTEL1-TNFRSF6B (RTEL1-TNFRSF6B readthrough (NMD candidate); plus strand). Cytogenetic location: 20q13.33.
Variant type: single nucleotide variant.
Coding change: c.53A>G on transcript NM_001283009.2 (MANE Select); coding-DNA position 53, A replaced by G.
Protein change: p.Tyr18Cys; replaces tyrosine 18 with cysteine.
Molecular consequence: missense variant. On other transcripts: non-coding transcript variant (1), intron variant (1).
Genome position (GRCh38, 1-based): chr20:63,659,455, A>G. VCF-style: chr20-63659455-A-G. GRCh37 (hg19) VCF-style: chr20-62290808-A-G.
Other names: c.53A>G, p.Tyr18Cys (NM_016434.4, NM_032957.5); c.-568+996A>G (NM_001283010.1); short protein forms Y18C.
Identifiers: ClinVar variation 3948337 (VCV003948337.1).

ClinVar aggregate classification (germline): Uncertain significance (1 of 4 stars; one submission).

Conditions:
Inborn genetic diseases. Identifiers: MedGen C0950123, MeSH D030342.

gnomAD v4.1: 1 of 1,614,164 alleles (0.000062%); highest among the groups gnomAD compares: African/African-American, 0.0013%; no homozygotes.

Submission:

Ambry Genetics
Classification: Uncertain significance for Inborn genetic diseases. Last evaluated: 2025-04-18. Review status: criteria provided, single submitter. Criteria: Ambry Variant Classification Scheme 2023. Collection method: clinical testing. Allele origin: germline.
Comment: The p.Y18C variant (also known as c.53A>G), located in coding exon 1 of the RTEL1 gene, results from an A to G substitution at nucleotide position 53. The tyrosine at codon 18 is replaced by cysteine, an amino acid with highly dissimilar properties. This amino acid position is conserved. In addition, this alteration is predicted to be deleterious by in silico analysis. Based on the available evidence, the clinical significance of this variant remains unclear.